The following is an entry in ClinVar:

ClinVar aggregate classification (germline): Pathogenic. Review status: reviewed by expert panel (3 of 4 stars). 3 submissions from 3 submitters: Pathogenic (1). 2 of the submissions do not count toward it. Last evaluated 2016-09-08.

Conditions:
Breast-ovarian cancer, familial, susceptibility to, 2 (BROVCA2). Also called: BRCA2 Hereditary Breast and Ovarian Cancer. Identifiers: Orphanet 145, MedGen C2675520, MONDO:0012933, OMIM 612555. Disease mechanism: loss of function.

Submissions (3):

Evidence-based Network for the Interpretation of Germline Mutant Alleles (ENIGMA)
Classification: Pathogenic for Breast-ovarian cancer, familial, susceptibility to, 2. Last evaluated: 2016-09-08. Review status: reviewed by expert panel. Criteria: ENIGMA BRCA1/2 Classification Criteria (2015). Collection method: curation. Allele origin: germline.
Comment: Variant allele predicted to encode a truncated non-functional protein.

Consortium of Investigators of Modifiers of BRCA1/2 (CIMBA), c/o University of Cambridge
Classification: Pathogenic for Breast-ovarian cancer, familial, susceptibility to, 2. Last evaluated: 2015-10-02. Review status: criteria provided, single submitter. Criteria: CIMBA Mutation Classification guidelines May 2016. Collection method: clinical testing. Allele origin: germline. Not counted in ClinVar's aggregate classification.

Breast Cancer Information Core (BIC) (BRCA2)
Classification: Pathogenic for Breast-ovarian cancer, familial 2. Last evaluated: 2009-08-07. Review status: no assertion criteria provided. Collection method: clinical testing. Allele origin: germline. Affected: yes. Observed: 1 variant allele. Not counted in ClinVar's aggregate classification.

NM_000059.4(BRCA2):c.4014_4015insGG (p.Ser1339fs)

Gene: BRCA2 (BRCA2 DNA repair associated; plus strand). Cytogenetic location: 13q13.1.
Variant type: Insertion.
Coding change: c.4014_4015insGG on transcript NM_000059.4 (MANE Select); coding-DNA positions 4014 to 4015, GG inserted.
Protein change: p.Ser1339fs; shifts the reading frame from serine 1339.
Molecular consequence: frameshift variant.
Genome position: GRCh38 VCF-style: chr13-32338369-C-CGG. GRCh37 (hg19) VCF-style: chr13-32912506-C-CGG.
Other names: 4242insGG; short protein forms S1339fs.
Identifiers: ClinVar variation 126033 (VCV000126033.3), dbSNP rs276174839, ClinGen allele CA019398.